The following is an entry in ClinVar:

NM_020778.5(ALPK3):c.4731C>A (p.Asp1577Glu)

Gene: ALPK3 (alpha kinase 3; plus strand). Cytogenetic location: 15q25.3.
Variant type: single nucleotide variant.
Coding change: c.4731C>A on transcript NM_020778.5 (MANE Select); coding-DNA position 4731, C replaced by A.
Protein change: p.Asp1577Glu; replaces aspartic acid 1577 with glutamic acid.
Molecular consequence: missense variant.
Genome position (GRCh38, 1-based): chr15:84,867,324, C>A. VCF-style: chr15-84867324-C-A. GRCh37 (hg19) VCF-style: chr15-85410555-C-A.
Other names: short protein forms D1577E.
Identifiers: ClinVar variation 2813438 (VCV002813438.3), dbSNP rs749285094, ClinGen allele CA393365418.

ClinVar aggregate classification (germline): Uncertain significance (1 of 4 stars; one submission).

Submission:

Labcorp Genetics (formerly Invitae), Labcorp
Classification: Uncertain significance. Last evaluated: 2024-11-21. Review status: criteria provided, single submitter. Criteria: Invitae Variant Classification Sherloc (09022015). Collection method: clinical testing. Allele origin: germline.
Comment: This sequence change replaces aspartic acid, which is acidic and polar, with glutamic acid, which is acidic and polar, at codon 1779 of the ALPK3 protein (p.Asp1779Glu). This variant is not present in population databases (gnomAD no frequency). This variant has not been reported in the literature in individuals affected with ALPK3-related conditions. ClinVar contains an entry for this variant (Variation ID: 2813438). Invitae Evidence Modeling of protein sequence and biophysical properties (such as structural, functional, and spatial information, amino acid conservation, physicochemical variation, residue mobility, and thermodynamic stability) indicates that this missense variant is expected to disrupt ALPK3 protein function with a positive predictive value of 80%. In summary, the available evidence is currently insufficient to determine the role of this variant in disease. Therefore, it has been classified as a Variant of Uncertain Significance.